The following is an entry in ClinVar:

ClinVar aggregate classification (germline): Uncertain significance (1 of 4 stars; one submission).

Submission:

GeneDx
Classification: Uncertain significance. Last evaluated: 2024-01-16. Review status: criteria provided, single submitter. Criteria: GeneDx Variant Classification Process June 2021. Collection method: clinical testing. Allele origin: germline. Affected: yes.
Comment: Not observed at significant frequency in large population cohorts (gnomAD); In silico analysis supports that this missense variant does not alter protein structure/function; Not located in the triple helical region, where the majority of pathogenic missense variants occur (PMID: 25240749); Has not been previously published as pathogenic or benign to our knowledge; This variant is associated with the following publications: (PMID: 25240749)

NM_001854.4(COL11A1):c.4694C>T (p.Ala1565Val)

Gene: COL11A1 (collagen type XI alpha 1 chain; minus strand). Cytogenetic location: 1p21.1.
Variant type: single nucleotide variant.
Coding change: c.4694C>T on transcript NM_001854.4 (MANE Select); coding-DNA position 4694, C replaced by T.
Protein change: p.Ala1565Val; replaces alanine 1565 with valine.
Molecular consequence: missense variant. On other transcripts: non-coding transcript variant (1).
Genome position (GRCh38, 1-based): chr1:102,886,971, G>A on the plus strand (C>T on the coding strand, the complement: COL11A1 is on the minus strand). VCF-style: chr1-102886971-G-A. GRCh37 (hg19) VCF-style: chr1-103352527-G-A.
Other names: c.4577C>T, p.Ala1526Val (NM_001190709.2); c.4730C>T, p.Ala1577Val (NM_080629.3); c.4346C>T, p.Ala1449Val (NM_080630.4); short protein forms A1449V, A1526V, A1565V, A1577V.
Identifiers: ClinVar variation 3367831 (VCV003367831.1).